The following is an entry in ClinVar:

ClinVar aggregate classification (germline): Uncertain significance (1 of 4 stars; one submission).

Conditions:
Inborn genetic diseases. Identifiers: MedGen C0950123, MeSH D030342.

Allele frequency attached by ClinVar (database versions not stated): TOPMed below 0.00001; gnomAD 0.00001; gnomAD exomes 0.00001.
gnomAD v4.1: 12 of 1,614,098 alleles (0.00074%); highest among the groups gnomAD compares: Non-Finnish European, 0.001%; no homozygotes.

Submission:

Ambry Genetics
Classification: Uncertain significance for Inborn genetic diseases. Last evaluated: 2022-06-15. Review status: criteria provided, single submitter. Criteria: Ambry Variant Classification Scheme 2023. Collection method: clinical testing. Allele origin: germline.
Comment: The c.2155A>G (p.I719V) alteration is located in exon 7 (coding exon 6) of the BRPF1 gene. This alteration results from an A to G substitution at nucleotide position 2155, causing the isoleucine (I) at amino acid position 719 to be replaced by a valine (V). Based on data from gnomAD, the G allele has an overall frequency of 0.001% (2/152206) total alleles studied. The highest observed frequency was 0.003% (2/68028) of European, non-Finnish alleles. This amino acid position is not well conserved in available vertebrate species. This alteration is predicted to be tolerated by in silico analysis. Based on insufficient or conflicting evidence, the clinical significance of this alteration remains unclear.

NM_001003694.2(BRPF1):c.2155A>G (p.Ile719Val)

Gene: BRPF1 (bromodomain and PHD finger containing 1; plus strand). Cytogenetic location: 3p25.3.
Variant type: single nucleotide variant.
Coding change: c.2155A>G on transcript NM_001003694.2 (MANE Select); coding-DNA position 2155, A replaced by G.
Protein change: p.Ile719Val; replaces isoleucine 719 with valine.
Molecular consequence: missense variant. On other transcripts: non-coding transcript variant (1).
Genome position (GRCh38, 1-based): chr3:9,743,097, A>G. VCF-style: chr3-9743097-A-G. GRCh37 (hg19) VCF-style: chr3-9784781-A-G.
Other names: c.2137A>G, p.Ile713Val (NM_001319049.2, NM_001319050.2, NM_004634.3); c.2155A>G, p.Ile719Val (NM_001410704.1); short protein forms I719V, I713V.
Identifiers: ClinVar variation 2221669 (VCV002221669.2), dbSNP rs2077059083, ClinGen allele CA351695581.